The following is an entry in ClinVar:

ClinVar aggregate classification (germline): Benign/Likely benign. Review status: criteria provided, multiple submitters, no conflicts (2 of 4 stars). 3 submissions from 3 submitters: Benign (2); Likely benign (1). Last evaluated 2025-05-20.

Conditions:
Adult-onset autosomal dominant demyelinating leukodystrophy. Identifiers: Orphanet 99027, MedGen C1868512, MONDO:0008215.

Allele frequency attached by ClinVar (database versions not stated): gnomAD 0.00014; TOPMed 0.00016; gnomAD exomes 0.00038; ExAC 0.00074.
gnomAD v4.1: 265 of 1,544,076 alleles (0.017%); highest among the groups gnomAD compares: Middle Eastern, 0.017%; no homozygotes.

Submissions (3):

Labcorp Genetics (formerly Invitae), Labcorp
Classification: Benign. Last evaluated: 2025-05-20. Review status: criteria provided, single submitter. Criteria: Invitae Variant Classification Sherloc (09022015). Collection method: clinical testing. Allele origin: germline.

Blueprint Genetics
Classification: Likely benign. Last evaluated: 2024-07-23. Review status: criteria provided, single submitter. Criteria: ACMG Guidelines, 2015. Collection method: clinical testing. Allele origin: germline.

Illumina Laboratory Services, Illumina
Classification: Benign for Leukodystrophy, demyelinating, adult-onset, autosomal dominant, typical. Last evaluated: 2018-01-12. Review status: criteria provided, single submitter. Criteria: ICSL Variant Classification Criteria 13 December 2019. Collection method: clinical testing. Allele origin: germline.
Comment: This variant was observed in the ICSL laboratory as part of a predisposition screen in an ostensibly healthy population. It had not been previously curated by ICSL or reported in the Human Gene Mutation Database (HGMD: prior to June 1st, 2018), and was therefore a candidate for classification through an automated scoring system. Utilizing variant allele frequency, disease prevalence and penetrance estimates, and inheritance mode, an automated score was calculated to assess if this variant is too frequent to cause the disease. Based on the score and internal cut-off values, a variant classified as benign is not then subjected to further curation. The score for this variant resulted in a classification of benign for this disease.

NM_005573.4(LMNB1):c.141C>T (p.Ile47=)

Gene: LMNB1 (lamin B1; plus strand). Cytogenetic location: 5q23.2.
Variant type: single nucleotide variant.
Coding change: c.141C>T on transcript NM_005573.4 (MANE Select); coding-DNA position 141, C replaced by T.
Protein change: p.Ile47=; no amino-acid change (isoleucine 47 retained).
Molecular consequence: synonymous variant. On other transcripts: non-coding transcript variant (1), intron variant (1).
Genome position (GRCh38, 1-based): chr5:126,777,649, C>T. VCF-style: chr5-126777649-C-T. GRCh37 (hg19) VCF-style: chr5-126113341-C-T.
Other names: c.-272+405C>T (NM_001198557.2).
Identifiers: ClinVar variation 350611 (VCV000350611.13), dbSNP rs755177047, ClinGen allele CA3390419.